The following is an entry in ClinVar:

NM_002972.4(SBF1):c.3080C>T (p.Thr1027Ile)

Gene: SBF1 (SET binding factor 1; minus strand). Cytogenetic location: 22q13.33.
Variant type: single nucleotide variant.
Coding change: c.3080C>T on transcript NM_002972.4 (MANE Select); coding-DNA position 3080, C replaced by T.
Protein change: p.Thr1027Ile; replaces threonine 1027 with isoleucine.
Molecular consequence: missense variant.
Genome position (GRCh38, 1-based): chr22:50,460,600, G>A on the plus strand (C>T on the coding strand, the complement: SBF1 is on the minus strand). VCF-style: chr22-50460600-G-A. GRCh37 (hg19) VCF-style: chr22-50899029-G-A.
Other names: c.3083C>T, p.Thr1028Ile (NM_001365819.1); c.3080C>T (NM_002972.2); short protein forms T1027I, T1028I.
Identifiers: ClinVar variation 1516909 (VCV001516909.6), dbSNP rs533078751, ClinGen allele CA10316893.

ClinVar aggregate classification (germline): Uncertain significance. Review status: criteria provided, multiple submitters, no conflicts (2 of 4 stars). 2 submissions from 2 submitters: Uncertain significance (2). Last evaluated 2025-07-15.

Allele frequency attached by ClinVar (database versions not stated): 1000 Genomes Project 30x 0.00062; TOPMed 0.00002; ExAC 0.00003; gnomAD 0.00003 and 0.00002; gnomAD exomes 0.00001 and 0.00002; 1000 Genomes Project 0.00060.
gnomAD v4.1: 15 of 1,614,142 alleles (0.00093%); highest among the groups gnomAD compares: African/African-American, 0.012%; no homozygotes.

Submissions (2):

GeneDx
Classification: Uncertain significance. Last evaluated: 2025-07-15. Review status: criteria provided, single submitter. Criteria: GeneDx Variant Classification Process June 2021. Collection method: clinical testing. Allele origin: germline. Affected: yes.
Comment: In silico analysis suggests that this missense variant does not alter protein structure/function; Has not been previously published as pathogenic or benign to our knowledge

Labcorp Genetics (formerly Invitae), Labcorp
Classification: Uncertain significance. Last evaluated: 2022-07-13. Review status: criteria provided, single submitter. Criteria: Invitae Variant Classification Sherloc (09022015). Collection method: clinical testing. Allele origin: germline.
Comment: This sequence change replaces threonine, which is neutral and polar, with isoleucine, which is neutral and non-polar, at codon 1027 of the SBF1 protein (p.Thr1027Ile). This variant is present in population databases (rs533078751, gnomAD 0.03%). This variant has not been reported in the literature in individuals affected with SBF1-related conditions. ClinVar contains an entry for this variant (Variation ID: 1516909). Algorithms developed to predict the effect of missense changes on protein structure and function output the following: SIFT: "Deleterious"; PolyPhen-2: "Benign"; Align-GVGD: "Class C0". The isoleucine amino acid residue is found in multiple mammalian species, which suggests that this missense change does not adversely affect protein function. In summary, the available evidence is currently insufficient to determine the role of this variant in disease. Therefore, it has been classified as a Variant of Uncertain Significance.